The following is an entry in ClinVar:

ClinVar aggregate classification (germline): Uncertain significance (1 of 4 stars; one submission).

Conditions:
Kabuki syndrome. Also called: NIIKAWA-KUROKI SYNDROME; Kabuki make-up syndrome. Identifiers: Orphanet 2322, MedGen C0796004, MONDO:0016512.

Submission:

Labcorp Genetics (formerly Invitae), Labcorp
Classification: Uncertain significance for Kabuki syndrome. Last evaluated: 2024-08-08. Review status: criteria provided, single submitter. Criteria: Invitae Variant Classification Sherloc (09022015). Collection method: clinical testing. Allele origin: germline.
Comment: This sequence change replaces valine, which is neutral and non-polar, with methionine, which is neutral and non-polar, at codon 4402 of the KMT2D protein (p.Val4402Met). This variant is not present in population databases (gnomAD no frequency). This variant has not been reported in the literature in individuals affected with KMT2D-related conditions. Advanced modeling of protein sequence and biophysical properties (such as structural, functional, and spatial information, amino acid conservation, physicochemical variation, residue mobility, and thermodynamic stability) performed at Invitae indicates that this missense variant is not expected to disrupt KMT2D protein function with a negative predictive value of 95%. In summary, the available evidence is currently insufficient to determine the role of this variant in disease. Therefore, it has been classified as a Variant of Uncertain Significance.

NM_003482.4(KMT2D):c.13204G>A (p.Val4402Met)

Gene: KMT2D (lysine methyltransferase 2D; minus strand). Cytogenetic location: 12q13.12.
Variant type: single nucleotide variant.
Coding change: c.13204G>A on transcript NM_003482.4 (MANE Select); coding-DNA position 13204, G replaced by A.
Protein change: p.Val4402Met; replaces valine 4402 with methionine.
Molecular consequence: missense variant.
Genome position (GRCh38, 1-based): chr12:49,031,501, C>T on the plus strand (G>A on the coding strand, the complement: KMT2D is on the minus strand). VCF-style: chr12-49031501-C-T. GRCh37 (hg19) VCF-style: chr12-49425284-C-T.
Other names: short protein forms V4402M.
Identifiers: ClinVar variation 2869402 (VCV002869402.3), dbSNP rs1565772078, ClinGen allele CA384706874.
Genomic context (GRCh38, chr12:49,031,501, plus strand): 5'-CTTCCCGAGGTTCCTGCTTGATGCTGAGTTGGGATGCCTCAGGCACCACCTGTCCATTCA[C>T]CTGGTCCAGATGCCCAGGTACCAGGCTGCTCTGCTCTGGCTTCTGGGTTTCTGCTAGGTT-3'
Protein context (NP_003473.3, residues 4392-4412): SSLVPGHLDQ[Val4402Met]NGQVVPEASQ